The following is an entry in ClinVar:

ClinVar aggregate classification (germline): Benign. Review status: criteria provided, single submitter (1 of 4 stars). 2 submissions from 2 submitters: Benign (1). 1 of the submissions does not count toward it. Last evaluated 2018-08-16.

Conditions:
KIF4B-related disorder. Also called: KIF4B-related condition.

Allele frequency attached by ClinVar (database versions not stated): gnomAD exomes 0.00398; ExAC 0.00482; 1000 Genomes Project 0.01677; 1000 Genomes Project 30x 0.01749; ESP Exome Variant Server 0.01791; TOPMed 0.01848.
gnomAD v4.1: 4,653 of 1,614,190 alleles (0.29%); highest among the groups gnomAD compares: African/African-American, 5.3%; 128 homozygotes.

Submissions (2):

Labcorp Genetics (formerly Invitae), Labcorp
Classification: Benign. Last evaluated: 2018-08-16. Review status: criteria provided, single submitter. Criteria: Invitae Variant Classification Sherloc (09022015). Collection method: clinical testing. Allele origin: germline.

PreventionGenetics, part of Exact Sciences
Classification: Benign for KIF4B-related condition. Last evaluated: 2019-07-18. Review status: no assertion criteria provided. Collection method: clinical testing. Allele origin: germline. Not counted in ClinVar's aggregate classification.
Comment: This variant is classified as benign based on ACMG/AMP sequence variant interpretation guidelines (Richards et al. 2015 PMID: 25741868, with internal and published modifications).

NM_001099293.3(KIF4B):c.1480G>C (p.Glu494Gln)

Gene: KIF4B (kinesin family member 4B; plus strand). Cytogenetic location: 5q33.2.
Variant type: single nucleotide variant.
Coding change: c.1480G>C on transcript NM_001099293.3 (MANE Select); coding-DNA position 1480, G replaced by C.
Protein change: p.Glu494Gln; replaces glutamic acid 494 with glutamine.
Molecular consequence: missense variant.
Genome position (GRCh38, 1-based): chr5:155,015,339, G>C. VCF-style: chr5-155015339-G-C. GRCh37 (hg19) VCF-style: chr5-154394899-G-C.
Other names: short protein forms E494Q.
Identifiers: ClinVar variation 783450 (VCV000783450.5), dbSNP rs17116709, ClinGen allele CA3530035.